The following is an entry in ClinVar:

ClinVar aggregate classification (germline): Uncertain significance (1 of 4 stars; one submission).

Conditions:
Hereditary cancer-predisposing syndrome. Also called: Neoplastic Syndromes, Hereditary; Tumor predisposition; Hereditary Cancer Syndrome; Hereditary neoplastic syndrome. Identifiers: Orphanet 140162, MedGen C0027672, MeSH D009386, MONDO:0015356.

Submission:

Ambry Genetics
Classification: Uncertain significance for Hereditary cancer-predisposing syndrome. Last evaluated: 2026-01-28. Review status: criteria provided, single submitter. Criteria: Ambry Variant Classification Scheme 2023. Collection method: clinical testing. Allele origin: germline.
Comment: The p.L639P variant (also known as c.1916T>C), located in coding exon 15 of the SDHA gene, results from a T to C substitution at nucleotide position 1916. The leucine at codon 639 is replaced by proline, an amino acid with similar properties. This amino acid position is highly conserved in available vertebrate species. In addition, this alteration is predicted to be deleterious by in silico analysis. Based on the available evidence, the clinical significance of this variant remains unclear.

NM_004168.4(SDHA):c.1916T>C (p.Leu639Pro)

Gene: SDHA (succinate dehydrogenase complex flavoprotein subunit A; plus strand). Cytogenetic location: 5p15.33.
Variant type: single nucleotide variant.
Coding change: c.1916T>C on transcript NM_004168.4 (MANE Select); coding-DNA position 1916, T replaced by C.
Protein change: p.Leu639Pro; replaces leucine 639 with proline.
Molecular consequence: missense variant.
Genome position (GRCh38, 1-based): chr5:256,341, T>C. VCF-style: chr5-256341-T-C. GRCh37 (hg19) VCF-style: chr5-256456-T-C.
Other names: c.1772T>C, p.Leu591Pro (NM_001294332.2); c.1673T>C, p.Leu558Pro (NM_001330758.2); short protein forms L591P, L639P, L558P.
Identifiers: ClinVar variation 2452787 (VCV002452787.3), dbSNP rs2477488857, ClinGen allele CA359002608.
Genomic context (GRCh38, chr5:256,341, plus strand): 5'-ATGGCTTTTTGTACATTTTTGTGCTTAACTTACCACTGACTCTTCTTTTCAAGGTCACTC[T>C]GGAATATAGACCCGTGATCGACAAAACTTTGAACGAGGCTGACTGTGCCACCGTCCCGCC-3'
Protein context (NP_004159.2, residues 629-649): YVDVGTGKVT[Leu639Pro]EYRPVIDKTL